The following is an entry in ClinVar:

ClinVar aggregate classification (germline): Uncertain significance. Review status: criteria provided, multiple submitters, no conflicts (2 of 4 stars). 2 submissions from 2 submitters: Uncertain significance (2). Last evaluated 2024-12-08.

Conditions:
Hereditary cancer-predisposing syndrome. Also called: Neoplastic Syndromes, Hereditary; Hereditary neoplastic syndrome; Tumor predisposition; Hereditary Cancer Syndrome. Identifiers: Orphanet 140162, MedGen C0027672, MeSH D009386, MONDO:0015356.
Familial cancer of breast. Also called: BREAST CANCER, FAMILIAL; hereditary breast carcinoma; Hereditary breast cancer. Identifiers: Orphanet 227535, MedGen C0346153, MONDO:0016419, OMIM 114480. Disease mechanism: loss of function.

Submissions (2):

Labcorp Genetics (formerly Invitae), Labcorp
Classification: Uncertain significance for Familial cancer of breast. Last evaluated: 2024-12-08. Review status: criteria provided, single submitter. Criteria: Invitae Variant Classification Sherloc (09022015). Collection method: clinical testing. Allele origin: germline.
Comment: This variant, c.1283_1285del, results in the deletion of 1 amino acid(s) of the BARD1 protein (p.Gly428del), but otherwise preserves the integrity of the reading frame. This variant is not present in population databases (gnomAD no frequency). This variant has been observed in individual(s) with colorectal cancer (PMID: 28135145). Experimental studies and prediction algorithms are not available or were not evaluated, and the functional significance of this variant is currently unknown. In summary, the available evidence is currently insufficient to determine the role of this variant in disease. Therefore, it has been classified as a Variant of Uncertain Significance.

Ambry Genetics
Classification: Uncertain significance for Hereditary cancer-predisposing syndrome. Last evaluated: 2024-11-08. Review status: criteria provided, single submitter. Criteria: Ambry Variant Classification Scheme 2023. Collection method: clinical testing. Allele origin: germline.
Comment: The c.1283_1285delGAG variant (also known as p.G428del) is located in coding exon 4 of the BARD1 gene. This variant results from an in-frame GAG deletion at nucleotide positions 1283 to 1285. This results in the in-frame deletion of a glycine at codon 428. This amino acid position is highly conserved in available vertebrate species. In addition, this alteration is predicted to be deleterious by in silico analysis (Choi Y et al. PLoS ONE. 2012; 7(10):e46688). Based on the available evidence, the clinical significance of this variant remains unclear.

Literature cited by the submitters: PubMed 28135145 (cited by Labcorp Genetics (formerly Invitae), Labcorp).

NM_000465.4(BARD1):c.1280GAG[1] (p.Gly428del)

Gene: BARD1 (BRCA1 associated RING domain 1; minus strand). Cytogenetic location: 2q35.
Variant type: Microsatellite.
Coding change: c.1280GAG[1] on transcript NM_000465.4 (MANE Select); one copy of the 3-base unit GAG starting at c.1280; the reference has two copies in a row; one copy, 3 bases deleted.
Protein change: p.Gly428del; deletes glycine 428.
Molecular consequence: inframe deletion. On other transcripts: non-coding transcript variant (2), intron variant (3).
Genome position (GRCh38, 1-based): chr2:214,780,589-214,780,591, CTC deleted on the plus strand (GAG on the coding strand, the reverse complement: BARD1 is on the minus strand); deleting any 3 consecutive bases within chr2:214,780,589-214,780,594 gives the same sequence; the position shown is the placement nearest the transcript's 3' end. VCF-style (leftmost placement, unchanged base first): chr2-214780588-TCTC-T. GRCh37 (hg19) VCF-style: chr2-215645312-TCTC-T.
Other names: c.1223GAG[1], p.Gly409del (NM_001282543.2); c.159-28036_159-28034del (NM_001282548.2); c.215+16470_215+16472del (NM_001282545.2); c.364+11706_364+11708del (NM_001282549.2); short protein forms G428del, G409del.
Identifiers: ClinVar variation 237816 (VCV000237816.11), dbSNP rs878853997, ClinGen allele CA10581929.